The following is an entry in ClinVar:

ClinVar aggregate classification (germline): Conflicting classifications of pathogenicity. Review status: criteria provided, conflicting classifications (1 of 4 stars). 4 submissions from 4 submitters: Uncertain significance (3); Likely benign (1). Last evaluated 2022-10-25.

Conditions:
Inborn genetic diseases. Identifiers: MedGen C0950123, MeSH D030342.
Cerebral folate transport deficiency. Also called: Neurodegenerative syndrome due to cerebral folate transport deficiency; FOLR1-Related Cerebral Folate Transport Deficiency; FOLATE RECEPTOR DEFICIENCY; NEURODEGENERATION DUE TO CEREBRAL FOLATE TRANSPORT DEFICIENCY; Cerebral folate deficiency syndrome. Identifiers: Orphanet 217382, MedGen C2751584, MONDO:0013110, OMIM 613068. Disease mechanism: loss of function.

Allele frequency attached by ClinVar (database versions not stated): gnomAD exomes below 0.00001 and 0.00005; gnomAD 0.00003 and 0.00004; TOPMed 0.00003; ExAC 0.00007; 1000 Genomes Project 30x 0.00016; 1000 Genomes Project 0.00020.
gnomAD v4.1: 35 of 1,614,154 alleles (0.0022%); highest among the groups gnomAD compares: East Asian, 0.016%; no homozygotes.

Submissions (5):

Labcorp Genetics (formerly Invitae), Labcorp
Classification: Uncertain significance for Cerebral folate transport deficiency. Last evaluated: 2022-10-25. Review status: criteria provided, single submitter. Criteria: Invitae Variant Classification Sherloc (09022015). Collection method: clinical testing. Allele origin: germline.
Comment: This sequence change replaces methionine, which is neutral and non-polar, with valine, which is neutral and non-polar, at codon 5 of the FOLR1 protein (p.Met5Val). This variant is present in population databases (rs371565364, gnomAD 0.05%). This variant has not been reported in the literature in individuals affected with FOLR1-related conditions. ClinVar contains an entry for this variant (Variation ID: 205452). Algorithms developed to predict the effect of missense changes on protein structure and function output the following: SIFT: "Tolerated"; PolyPhen-2: "Benign"; Align-GVGD: "Class C0". The valine amino acid residue is found in multiple mammalian species, which suggests that this missense change does not adversely affect protein function. Algorithms developed to predict the effect of sequence changes on RNA splicing suggest that this variant may disrupt the consensus splice site. In summary, the available evidence is currently insufficient to determine the role of this variant in disease. Therefore, it has been classified as a Variant of Uncertain Significance.

Ambry Genetics
Classification: Likely benign for Inborn genetic diseases. Last evaluated: 2022-04-13. Review status: criteria provided, single submitter. Criteria: Ambry Variant Classification Scheme 2023. Collection method: clinical testing. Allele origin: germline.

GeneDx
Classification: Uncertain significance. Last evaluated: 2019-03-08. Review status: criteria provided, single submitter. Criteria: GeneDx Variant Classification Process June 2021. Collection method: clinical testing. Allele origin: germline. Affected: yes.
Comment: In silico analysis, which includes protein predictors and evolutionary conservation, supports that this variant does not alter protein structure/function; Has not been previously published as pathogenic or benign to our knowledge

Eurofins Ntd Llc (ga)
Classification: Uncertain significance. Last evaluated: 2017-02-21. Review status: criteria provided, single submitter. Criteria: EGL Classification Definitions 2015. Collection method: clinical testing. Allele origin: germline. Observed: 1 variant allele, 1 heterozygote.

Dr. Peter K. Rogan Lab, Western University
No classification provided (evidence only). Condition: Thyroid cancer, nonmedullary, 1. Review status: no classification provided. Collection method: in vitro. Allele origin: not applicable. Functional consequence: retained intron. Not counted in ClinVar's aggregate classification.

NM_016729.3(FOLR1):c.13A>G (p.Met5Val)

Genes: FOLR1-AS1 (FOLR1 antisense RNA 1; minus strand), FOLR1 (folate receptor alpha; plus strand). Cytogenetic location: 11q13.4.
Variant type: single nucleotide variant.
Coding change: c.13A>G on transcript NM_016729.3 (MANE Select); coding-DNA position 13, A replaced by G.
Protein change: p.Met5Val; replaces methionine 5 with valine.
Molecular consequence: missense variant.
Genome position (GRCh38, 1-based): chr11:72,192,186, A>G. VCF-style: chr11-72192186-A-G. GRCh37 (hg19) VCF-style: chr11-71903230-A-G.
Other names: p.M5V:ATG>GTG; c.13A>G, p.Met5Val (NM_000802.3, NM_016724.3, NM_016725.3); short protein forms M5V.
Identifiers: ClinVar variation 205452 (VCV000205452.16), dbSNP rs371565364, ClinGen allele CA314535.
Genomic context (GRCh38, chr11:72,192,186, plus strand): 5'-CCGCATTCCTTGGTGCCACTGACCACAGCTCTTTCTTCAGGGACAGACATGGCTCAGCGG[A>G]TGACAACACAGCTGCTGCTCCTTCTAGTGTGGGTGGCTGTAGTAGGGGAGGCTCAGACAA-3'
Protein context (NP_057941.1, residues 1-15): MAQR[Met5Val]TTQLLLLLVW